The following is an entry in ClinVar:

ClinVar aggregate classification (germline): Uncertain significance (1 of 4 stars; one submission).

Conditions:
Hereditary cancer-predisposing syndrome. Also called: Neoplastic Syndromes, Hereditary; Tumor predisposition; Hereditary Cancer Syndrome; Hereditary neoplastic syndrome. Identifiers: Orphanet 140162, MedGen C0027672, MeSH D009386, MONDO:0015356.

Submission:

Ambry Genetics
Classification: Uncertain significance for Hereditary cancer-predisposing syndrome. Last evaluated: 2022-08-30. Review status: criteria provided, single submitter. Criteria: Ambry Variant Classification Scheme 2023. Collection method: clinical testing. Allele origin: germline.
Comment: The p.K1315E variant (also known as c.3943A>G), located in coding exon 9 of the MSH6 gene, results from an A to G substitution at nucleotide position 3943. The lysine at codon 1315 is replaced by glutamic acid, an amino acid with similar properties. This amino acid position is conserved. In addition, the in silico prediction for this alteration is inconclusive. Since supporting evidence is limited at this time, the clinical significance of this alteration remains unclear.

NM_000179.3(MSH6):c.3943A>G (p.Lys1315Glu)

Gene: MSH6 (mutS homolog 6; plus strand). Cytogenetic location: 2p16.3.
Variant type: single nucleotide variant.
Coding change: c.3943A>G on transcript NM_000179.3 (MANE Select); coding-DNA position 3943, A replaced by G.
Protein change: p.Lys1315Glu; replaces lysine 1315 with glutamic acid.
Molecular consequence: missense variant. On other transcripts: synonymous variant (1).
Genome position (GRCh38, 1-based): chr2:47,806,593, A>G. VCF-style: chr2-47806593-A-G. GRCh37 (hg19) VCF-style: chr2-48033732-A-G.
Other names: c.3418A>G, p.Lys1140Glu (NM_001406806.1, NM_001406807.1, NM_001406799.1); c.3943A>G, p.Lys1315Glu (NM_001406808.1, NM_001406809.1, NM_001406796.1); c.3037A>G, p.Lys1013Glu (NM_001406811.1, NM_001406812.1, NM_001406814.1 and 6 more transcripts); c.3949A>G, p.Lys1317Glu (NM_001406813.1); c.3775A>G, p.Lys1259Glu (NM_001406826.1); c.3646A>G, p.Lys1216Glu (NM_001406827.1, NM_001406828.1, NM_001406830.1 and 10 more transcripts); c.724A>G, p.Lys242Glu (NM_001406831.1); c.790A>G, p.Lys264Glu (NM_001406832.1); and 8 more; short protein forms K1013E, K1216E, K1257E, K1315E, K1317E, K242E, K264E, K630E.
Identifiers: ClinVar variation 1736368 (VCV001736368.2), dbSNP rs2104563580, ClinGen allele CA346761508.
Genomic context (GRCh38, chr2:47,806,593, plus strand): 5'-CCTAAAAGCTATGGCTTTAATGCAGCAAGGCTTGCTAATCTCCCAGAGGAAGTTATTCAA[A>G]AGGGACATAGAAAAGCAAGAGAATTTGAGAAGATGAATCAGTCACTACGATTATTTCGGT-3'
Protein context (NP_000170.1, residues 1305-1325): LANLPEEVIQ[Lys1315Glu]GHRKAREFEK